The following is an entry in ClinVar:

NM_182760.4(SUMF1):c.841-2A>T

Gene: SUMF1 (sulfatase modifying factor 1; minus strand). Cytogenetic location: 3p26.1.
Variant type: single nucleotide variant.
Coding change: c.841-2A>T on transcript NM_182760.4 (MANE Select); the canonical splice acceptor site of the intron before coding-DNA position 841, A replaced by T.
Molecular consequence: splice acceptor variant.
Genome position (GRCh38, 1-based): chr3:4,410,980, T>A on the plus strand (A>T on the coding strand, the complement: SUMF1 is on the minus strand). VCF-style: chr3-4410980-T-A. GRCh37 (hg19) VCF-style: chr3-4452664-T-A.
Other names: c.766-2A>T (NM_001164674.2); c.841-2A>T (NM_001164675.2).
Identifiers: ClinVar variation 1482008 (VCV001482008.8), dbSNP rs1487159473, ClinGen allele CA351631580.
Genomic context (GRCh38, chr3:4,410,980, plus strand): 5'-TCCCATGCGTTCCCCACTATGTTGTATAAGCCATAACCATTGGGAGGGAAGGCATCAACC[T>A]AAAAACAAAGACAGGAAAAATGCTGTCAAACTATTCACCTGGTTTAAAAAACATCTTCAG-3'

ClinVar aggregate classification (germline): Likely pathogenic (1 of 4 stars; one submission).

Conditions:
Multiple sulfatase deficiency (MSD). Also called: Mucosulfatidosis; Multiple Sulfatase Deficiency Disease; Sulfatidosis, Juvenile, Austin Type. Identifiers: Orphanet 585, MedGen C0268263, MONDO:0010088, OMIM 272200.

Submission:

Labcorp Genetics (formerly Invitae), Labcorp
Classification: Likely pathogenic for Multiple sulfatase deficiency. Last evaluated: 2021-06-18. Review status: criteria provided, single submitter. Criteria: Invitae Variant Classification Sherloc (09022015). Collection method: clinical testing. Allele origin: germline.
Comment: This sequence change affects an acceptor splice site in intron 6 of the SUMF1 gene. It is expected to disrupt RNA splicing. Variants that disrupt the donor or acceptor splice site typically lead to a loss of protein function (PMID: 16199547), and loss-of-function variants in SUMF1 are known to be pathogenic (PMID: 12757705, 12757706, 25885655). This variant is not present in population databases (ExAC no frequency). This variant has not been reported in the literature in individuals with SUMF1-related conditions. Algorithms developed to predict the effect of sequence changes on RNA splicing suggest that this variant may disrupt the consensus splice site, but this prediction has not been confirmed by published transcriptional studies. In summary, the currently available evidence indicates that the variant is pathogenic, but additional data are needed to prove that conclusively. Therefore, this variant has been classified as Likely Pathogenic.

Literature cited by the submitters: PubMed 16199547; PubMed 12757705; PubMed 12757706; PubMed 25885655.